The following is an entry in ClinVar:

NM_012463.4(ATP6V0A2):c.1485C>T (p.Pro495=)

Gene: ATP6V0A2 (ATPase H+ transporting V0 subunit a2; plus strand). Cytogenetic location: 12q24.31.
Variant type: single nucleotide variant.
Coding change: c.1485C>T on transcript NM_012463.4 (MANE Select); coding-DNA position 1485, C replaced by T.
Protein change: p.Pro495=; no amino-acid change (proline 495 retained).
Molecular consequence: synonymous variant.
Genome position (GRCh38, 1-based): chr12:123,744,755, C>T. VCF-style: chr12-123744755-C-T. GRCh37 (hg19) VCF-style: chr12-124229302-C-T.
Identifiers: ClinVar variation 386243 (VCV000386243.32), dbSNP rs759980365, ClinGen allele CA6861936.
Genomic context (GRCh38, chr12:123,744,755, plus strand): 5'-AGTCAACCTGTTCGGCTCTGGGTGGAACGTGTCGGCCATGTACAGCTCCAGCCACCCACC[C>T]GCAGAGCATAAGAAGATGGTGCTTTGGAAGTAAGTGTCCCATAGCTGGTGATGCTCTGGG-3'
Protein context (NP_036595.2, residues 485-505): VSAMYSSSHP[Pro495=]AEHKKMVLWN

ClinVar aggregate classification (germline): Likely benign. Review status: criteria provided, multiple submitters, no conflicts (2 of 4 stars). 5 submissions from 5 submitters: Likely benign (4). 1 of the submissions does not count toward it. Last evaluated 2025-11-06.

Conditions:
ALG9 congenital disorder of glycosylation (CDG1L). Also called: ALG9-CDG; CDG Il; CONGENITAL DISORDER OF GLYCOSYLATION, TYPE Il. Identifiers: Orphanet 79328, MedGen C2931006, MONDO:0012117, OMIM 608776.
ATP6V0A2-related disorder. Also called: ATP6V0A2-related condition.

Allele frequency attached by ClinVar (database versions not stated): ExAC 0.00001; gnomAD 0.00002; TOPMed 0.00002; gnomAD exomes 0.00003.
gnomAD v4.1: 47 of 1,614,150 alleles (0.0029%); highest among the groups gnomAD compares: East Asian, 0.011%; no homozygotes.

Submissions (5):

Labcorp Genetics (formerly Invitae), Labcorp
Classification: Likely benign for ALG9 congenital disorder of glycosylation. Last evaluated: 2025-11-06. Review status: criteria provided, single submitter. Criteria: Invitae Variant Classification Sherloc (09022015). Collection method: clinical testing. Allele origin: germline.

Blueprint Genetics
Classification: Likely benign. Last evaluated: 2024-11-18. Review status: criteria provided, single submitter. Criteria: ACMG Guidelines, 2015. Collection method: clinical testing. Allele origin: germline.

CeGaT Center for Human Genetics Tuebingen
Classification: Likely benign. Last evaluated: 2024-07-01. Review status: criteria provided, single submitter. Criteria: CeGaT Center For Human Genetics Tuebingen Variant Classification Criteria Version 2. Collection method: clinical testing. Allele origin: germline. Affected: yes. Observed: 2 variant alleles.
Comment: ATP6V0A2: BP4, BP7

GeneDx
Classification: Likely benign. Last evaluated: 2016-05-18. Review status: criteria provided, single submitter. Criteria: GeneDx Variant Classification (06012015). Collection method: clinical testing. Allele origin: germline. Affected: yes.
Comment: This variant is considered likely benign or benign based on one or more of the following criteria: it is a conservative change, it occurs at a poorly conserved position in the protein, it is predicted to be benign by multiple in silico algorithms, and/or has population frequency not consistent with disease.

PreventionGenetics, part of Exact Sciences
Classification: Likely benign for ATP6V0A2-related condition. Last evaluated: 2019-08-14. Review status: no assertion criteria provided. Collection method: clinical testing. Allele origin: germline. Not counted in ClinVar's aggregate classification.
Comment: This variant is classified as likely benign based on ACMG/AMP sequence variant interpretation guidelines (Richards et al. 2015 PMID: 25741868, with internal and published modifications).